The following is an entry in ClinVar:

NM_000492.4(CFTR):c.1076A>G (p.Gln359Arg)

Gene: CFTR (CF transmembrane conductance regulator; plus strand). Cytogenetic location: 7q31.2.
Variant type: single nucleotide variant.
Coding change: c.1076A>G on transcript NM_000492.4 (MANE Select); coding-DNA position 1076, A replaced by G.
Protein change: p.Gln359Arg; replaces glutamine 359 with arginine.
Molecular consequence: missense variant.
Genome position (GRCh38, 1-based): chr7:117,540,306, A>G. VCF-style: chr7-117540306-A-G. GRCh37 (hg19) VCF-style: chr7-117180360-A-G.
Other names: short protein forms Q359R.
Identifiers: ClinVar variation 53181 (VCV000053181.2), dbSNP rs397508153, ClinGen allele CA326389.

ClinVar aggregate classification (germline): Uncertain significance. Review status: criteria provided, single submitter (1 of 4 stars). 2 submissions from 2 submitters: Uncertain significance (1). 1 of the submissions does not count toward it. Last evaluated 2019-12-09.

Conditions:
CFTR-related disorder (CFTR-RD). Also called: CFTR-related disorders; CFTR-related condition. Identifiers: MedGen C5924204, MONDO:7770004.

Submissions (2):

Women's Health and Genetics/Laboratory Corporation of America, LabCorp
Classification: Uncertain significance. Last evaluated: 2019-12-09. Review status: criteria provided, single submitter. Criteria: LabCorp Variant Classification Summary - May 2015. Collection method: clinical testing. Allele origin: germline.
Comment: Variant summary: CFTR c.1076A>G (p.Gln359Arg) results in a conservative amino acid change in the encoded protein sequence. Four of five in-silico tools predict a damaging effect of the variant on protein function. The variant was absent in 251008 control chromosomes (gnomAD). The available data on variant occurrences in the general population are insufficient to allow any conclusion about variant significance. c.1076A>G has been reported in the literature in individuals affected with Cystic Fibrosis (Scotet_2003, Zietkiewicz_2014, De Wachter_2017). These data do not allow any conclusion about variant significance. To our knowledge, no experimental evidence demonstrating an impact on protein function has been reported. No clinical diagnostic laboratories have submitted clinical-significance assessments for this variant to ClinVar after 2014. Based on the evidence outlined above, the variant was classified as uncertain significance.

Natera, Inc.
Classification: Uncertain significance for CFTR-related disorders. Last evaluated: 2021-03-31. Review status: no assertion criteria provided. Collection method: clinical testing. Allele origin: germline. Not counted in ClinVar's aggregate classification.

Literature cited by the submitters: PubMed 12815607 (cited by Women's Health and Genetics/Laboratory Corporation of America, LabCorp); PubMed 23687349 (cited by Women's Health and Genetics/Laboratory Corporation of America, LabCorp); PubMed 24586523 (cited by Women's Health and Genetics/Laboratory Corporation of America, LabCorp); PubMed 25735457 (cited by Women's Health and Genetics/Laboratory Corporation of America, LabCorp); PubMed 28830496 (cited by Women's Health and Genetics/Laboratory Corporation of America, LabCorp).